The following is an entry in ClinVar:

ClinVar aggregate classification (germline): Uncertain significance (1 of 4 stars; one submission).

Conditions:
Myopathy, centronuclear, 2 (CNM2). Also called: MYOTUBULAR MYOPATHY, AUTOSOMAL RECESSIVE. Identifiers: Orphanet 169186, MedGen CN031787, MONDO:0009709, OMIM 255200.

Allele frequency attached by ClinVar (database versions not stated): TOPMed below 0.00001; gnomAD 0.00001.
gnomAD v4.1: 6 of 1,613,710 alleles (0.00037%); highest among the groups gnomAD compares: Admixed American, 0.0017%; no homozygotes.

Submission:

Labcorp Genetics (formerly Invitae), Labcorp
Classification: Uncertain significance for Myopathy, centronuclear, 2. Last evaluated: 2026-01-28. Review status: criteria provided, single submitter. Criteria: Invitae Variant Classification Sherloc (09022015). Collection method: clinical testing. Allele origin: germline.
Comment: This sequence change replaces aspartic acid, which is acidic and polar, with asparagine, which is neutral and polar, at codon 108 of the BIN1 protein (p.Asp108Asn). This variant is present in population databases (rs532260569, gnomAD 0.03%). This variant has not been reported in the literature in individuals affected with BIN1-related conditions. ClinVar contains an entry for this variant (Variation ID: 1423645). Invitae Evidence Modeling of protein sequence and biophysical properties (such as structural, functional, and spatial information, amino acid conservation, physicochemical variation, residue mobility, and thermodynamic stability) indicates that this missense variant is not expected to disrupt BIN1 protein function with a negative predictive value of 80%. In summary, the available evidence is currently insufficient to determine the role of this variant in disease. Therefore, it has been classified as a Variant of Uncertain Significance.

NM_139343.3(BIN1):c.322G>A (p.Asp108Asn)

Gene: BIN1 (bridging integrator 1; minus strand). Cytogenetic location: 2q14.3.
Variant type: single nucleotide variant.
Coding change: c.322G>A on transcript NM_139343.3 (MANE Select); coding-DNA position 322, G replaced by A.
Protein change: p.Asp108Asn; replaces aspartic acid 108 with asparagine.
Molecular consequence: missense variant.
Genome position (GRCh38, 1-based): chr2:127,070,084, C>T on the plus strand (G>A on the coding strand, the complement: BIN1 is on the minus strand). VCF-style: chr2-127070084-C-T. GRCh37 (hg19) VCF-style: chr2-127827660-C-T.
Other names: c.322G>A, p.Asp108Asn (NM_001320632.2, NM_001320633.2, NM_001320640.2 and 10 more transcripts); c.250G>A, p.Asp84Asn (NM_001320634.1); c.241G>A, p.Asp81Asn (NM_001320642.1); short protein forms D81N, D108N, D84N.
Identifiers: ClinVar variation 1423645 (VCV001423645.8), dbSNP rs532260569, ClinGen allele CA55321367.